The following is an entry in ClinVar:

ClinVar aggregate classification (germline): Uncertain significance (1 of 4 stars; one submission).

gnomAD v4.1: 2 of 1,612,518 alleles (0.00012%); highest among the groups gnomAD compares: South Asian, 0.0022%; no homozygotes.

Submission:

Quest Diagnostics Nichols Institute San Juan Capistrano
Classification: Uncertain significance. Last evaluated: 2024-02-07. Review status: criteria provided, single submitter. Criteria: Quest Diagnostics criteria. Collection method: clinical testing. Allele origin: unknown.
Comment: The APC c.886A>C (p.Ser296Arg) variant has not been reported in individuals with APC-related conditions in the published literature. It also has not been reported in large, multi-ethnic general populations (Genome Aggregation Database). Analysis of this variant using bioinformatics tools for the prediction of the effect of amino acid changes on protein structure and function yielded predictions that this variant is benign. Based on the available information, we are unable to determine the clinical significance of this variant.

NM_000038.6(APC):c.886A>C (p.Ser296Arg)

Gene: APC (APC regulator of WNT signaling pathway; plus strand). Cytogenetic location: 5q22.2.
Variant type: single nucleotide variant.
Coding change: c.886A>C on transcript NM_000038.6 (MANE Select); coding-DNA position 886, A replaced by C.
Protein change: p.Ser296Arg; replaces serine 296 with arginine.
Molecular consequence: missense variant. On other transcripts: non-coding transcript variant (2).
Genome position (GRCh38, 1-based): chr5:112,815,546, A>C. VCF-style: chr5-112815546-A-C. GRCh37 (hg19) VCF-style: chr5-112151243-A-C.
Other names: c.886A>C, p.Ser296Arg (NM_001127510.3, NM_001354895.2, NM_001354896.2 and 12 more transcripts); c.832A>C, p.Ser278Arg (NM_001127511.3); c.916A>C, p.Ser306Arg (NM_001354897.2, NM_001354902.2, NM_001407446.1); c.811A>C, p.Ser271Arg (NM_001354898.2, NM_001354904.2, NM_001407451.1); c.802A>C, p.Ser268Arg (NM_001354899.2, NM_001407452.1, NM_001407467.1 and 1 more transcripts); c.709A>C, p.Ser237Arg (NM_001354900.2, NM_001354901.2, NM_001354905.2 and 1 more transcripts); c.37A>C, p.Ser13Arg (NM_001354906.2, NM_001407470.1, NM_001407471.1 and 1 more transcripts); short protein forms S278R, S268R, S306R, S13R, S237R, S271R, S296R.
Identifiers: ClinVar variation 3572047 (VCV003572047.1).